The following is an entry in ClinVar:

NM_174936.4(PCSK9):c.2058G>A (p.Gln686=)

Gene: PCSK9 (proprotein convertase subtilisin/kexin type 9; plus strand). Cytogenetic location: 1p32.3.
Variant type: single nucleotide variant.
Coding change: c.2058G>A on transcript NM_174936.4 (MANE Select); coding-DNA position 2058, G replaced by A.
Protein change: p.Gln686=; no amino-acid change (glutamine 686 retained).
Molecular consequence: synonymous variant. On other transcripts: non-coding transcript variant (8).
Genome position (GRCh38, 1-based): chr1:55,063,563, G>A. VCF-style: chr1-55063563-G-A. GRCh37 (hg19) VCF-style: chr1-55529236-G-A.
Other names: c.2181G>A, p.Gln727= (NM_001407240.1); c.2100G>A, p.Gln700= (NM_001407241.1); c.2061G>A, p.Gln687= (NM_001407242.1); c.2001G>A, p.Gln667= (NM_001407243.1); c.1884G>A, p.Gln628= (NM_001407244.1); c.1866G>A, p.Gln622= (NM_001407245.1); c.1683G>A, p.Gln561= (NM_001407246.1); c.1557G>A, p.Gln519= (NM_001407247.1).
Identifiers: ClinVar variation 3074716 (VCV003074716.1), dbSNP rs1644779256, ClinGen allele CA417960718.

ClinVar aggregate classification (germline): Likely benign (1 of 4 stars; one submission).

Conditions:
Hypercholesterolemia, autosomal dominant, 3 (FHCL3). Also called: Familial Hypercholesterolemia, Autosomal Dominant, 3; PCSK9-Related Familial Hypercholesterolemia, Autosomal Dominant; Familial hypercholesterolemia 3. Identifiers: MedGen C1863551, MONDO:0011369, OMIM 603776.

Submission:

All of Us Research Program, National Institutes of Health
Classification: Likely benign for Hypercholesterolemia, autosomal dominant, 3. Last evaluated: 2024-01-11. Review status: criteria provided, single submitter. Criteria: ACMG Guidelines, 2015. Collection method: clinical testing. Allele origin: germline. Inheritance: Autosomal dominant inheritance. Observed: 2 variant alleles, 2 heterozygotes.
Comment: This study involves interpretation of variants in research participants for the purpose of population health screening. Participant phenotype was not available at the time of variant classification. Additional details can be found in publication PMID: 35346344, PMCID: PMC8962531